The following is an entry in ClinVar:

ClinVar aggregate classification (germline): Uncertain significance (1 of 4 stars; one submission).

Conditions:
Cardiovascular phenotype. Identifiers: MedGen CN230736.

Submission:

Ambry Genetics
Classification: Uncertain significance for Cardiovascular phenotype. Last evaluated: 2024-11-10. Review status: criteria provided, single submitter. Criteria: Ambry Variant Classification Scheme 2023. Collection method: clinical testing. Allele origin: germline.
Comment: The p.G505C variant (also known as c.1513G>T), located in coding exon 10 of the PCSK9 gene, results from a G to T substitution at nucleotide position 1513. The glycine at codon 505 is replaced by cysteine, an amino acid with highly dissimilar properties. This amino acid position is conserved. In addition, this alteration is predicted to be tolerated by in silico analysis. Based on the available evidence, the clinical significance of this variant remains unclear.

NM_174936.4(PCSK9):c.1513G>T (p.Gly505Cys)

Gene: PCSK9 (proprotein convertase subtilisin/kexin type 9; plus strand). Cytogenetic location: 1p32.3.
Variant type: single nucleotide variant.
Coding change: c.1513G>T on transcript NM_174936.4 (MANE Select); coding-DNA position 1513, G replaced by T.
Protein change: p.Gly505Cys; replaces glycine 505 with cysteine.
Molecular consequence: missense variant. On other transcripts: non-coding transcript variant (7), intron variant (1).
Genome position (GRCh38, 1-based): chr1:55,059,495, G>T. VCF-style: chr1-55059495-G-T. GRCh37 (hg19) VCF-style: chr1-55525168-G-T.
Other names: c.1636G>T, p.Gly546Cys (NM_001407240.1); c.1555G>T, p.Gly519Cys (NM_001407241.1); c.1516G>T, p.Gly506Cys (NM_001407242.1); c.1456G>T, p.Gly486Cys (NM_001407243.1); c.1339G>T, p.Gly447Cys (NM_001407244.1); c.1321G>T, p.Gly441Cys (NM_001407245.1); c.1138G>T, p.Gly380Cys (NM_001407246.1); c.1181-1880G>T (NM_001407247.1); short protein forms G505C, G441C, G546C, G380C, G506C, G519C, G447C, G486C.
Identifiers: ClinVar variation 3415993 (VCV003415993.1).
Genomic context (GRCh38, chr1:55,059,495, plus strand): 5'-TTTTCAAAGCCCATTCTAAAGCAGATTCCCATTTCCGTCTTTGACTCTAAGGCCCAAGGG[G>T]GCAAGCTGGTCTGCCGGGCCCACAACGCTTTTGGGGGTGAGGGTGTCTACGCCATTGCCA-3'
Protein context (NP_777596.2, residues 495-515): RRGERMEAQG[Gly505Cys]KLVCRAHNAF